The following is an entry in ClinVar:

NM_000053.4(ATP7B):c.226A>G (p.Ile76Val)

Gene: ATP7B (ATPase copper transporting beta; minus strand). Cytogenetic location: 13q14.3.
Variant type: single nucleotide variant.
Coding change: c.226A>G on transcript NM_000053.4 (MANE Select); coding-DNA position 226, A replaced by G.
Protein change: p.Ile76Val; replaces isoleucine 76 with valine.
Molecular consequence: missense variant.
Genome position (GRCh38, 1-based): chr13:51,974,994, T>C on the plus strand (A>G on the coding strand, the complement: ATP7B is on the minus strand). VCF-style: chr13-51974994-T-C. GRCh37 (hg19) VCF-style: chr13-52549130-T-C.
Other names: c.226A>G, p.Ile76Val (NM_001005918.3, NM_001243182.2, NM_001330578.2 and 1 more transcripts); short protein forms I76V.
Identifiers: ClinVar variation 618542 (VCV000618542.64), dbSNP rs200642204, ClinGen allele CA6989601.

ClinVar aggregate classification (germline): Conflicting classifications of pathogenicity. Review status: criteria provided, conflicting classifications (1 of 4 stars). 10 submissions from 10 submitters: Uncertain significance (8); Likely benign (2). Last evaluated 2026-01-19.

Conditions:
Inborn genetic diseases. Identifiers: MedGen C0950123, MeSH D030342.
Wilson disease (WND). Also called: Wilson's disease. Identifiers: Orphanet 905, MedGen C0019202, MONDO:0010200, OMIM 277900. Disease mechanism: loss of function.

Allele frequency attached by ClinVar (database versions not stated): gnomAD 0.00013 and 0.00014; ExAC 0.00015; TOPMed 0.00017; ESP Exome Variant Server 0.00024; gnomAD exomes 0.00030.
gnomAD v4.1: 455 of 1,614,086 alleles (0.028%); highest among the groups gnomAD compares: Non-Finnish European, 0.037%; no homozygotes.

Submissions (10):

Labcorp Genetics (formerly Invitae), Labcorp
Classification: Likely benign for Wilson disease. Last evaluated: 2026-01-19. Review status: criteria provided, single submitter. Criteria: Invitae Variant Classification Sherloc (09022015). Collection method: clinical testing. Allele origin: germline.

Color Diagnostics, LLC DBA Color Health
Classification: Uncertain significance for Wilson disease. Last evaluated: 2025-06-05. Review status: criteria provided, single submitter. Criteria: ACMG Guidelines, 2015. Collection method: clinical testing. Allele origin: germline.
Comment: This missense variant replaces isoleucine with valine at codon 76 of the ATP7B protein. Computational prediction suggests that this variant may not impact protein structure and function. To our knowledge, functional studies have not been reported for this variant. This variant has been reported in an individual affected with Wilson disease (PMID: 31620489). This variant has been identified in 45/280584 chromosomes in the general population by the Genome Aggregation Database (gnomAD). The available evidence is insufficient to determine the role of this variant in disease conclusively. Therefore, this variant is classified as a Variant of Uncertain Significance.

GeneDx
Classification: Uncertain significance. Last evaluated: 2024-12-26. Review status: criteria provided, single submitter. Criteria: GeneDx Variant Classification Process June 2021. Collection method: clinical testing. Allele origin: germline. Affected: yes.
Comment: In silico analysis indicates that this missense variant does not alter protein structure/function; This variant is associated with the following publications: (PMID: 23518715, 31620489)

Fulgent Genetics
Classification: Uncertain significance for Wilson disease. Last evaluated: 2024-05-08. Review status: criteria provided, single submitter. Criteria: ACMG Guidelines, 2015. Collection method: clinical testing. Allele origin: germline.

CeGaT Center for Human Genetics Tuebingen
Classification: Uncertain significance. Last evaluated: 2024-05-01. Review status: criteria provided, single submitter. Criteria: CeGaT Center For Human Genetics Tuebingen Variant Classification Criteria Version 2. Collection method: clinical testing. Allele origin: germline. Affected: yes. Observed: 2 variant alleles.
Comment: ATP7B: PM2

Ambry Genetics
Classification: Uncertain significance for Inborn genetic diseases. Last evaluated: 2022-09-26. Review status: criteria provided, single submitter. Criteria: Ambry Variant Classification Scheme 2023. Collection method: clinical testing. Allele origin: germline.

Mayo Clinic Laboratories, Mayo Clinic
Classification: Uncertain significance. Last evaluated: 2022-06-14. Review status: criteria provided, single submitter. Criteria: ACMG Guidelines, 2015. Collection method: clinical testing. Allele origin: germline. Observed: 1 variant allele.
Comment: PM2

Women's Health and Genetics/Laboratory Corporation of America, LabCorp
Classification: Uncertain significance. Last evaluated: 2022-04-15. Review status: criteria provided, single submitter. Criteria: LabCorp Variant Classification Summary - May 2015. Collection method: clinical testing. Allele origin: germline.
Comment: Variant summary: ATP7B c.226A>G (p.Ile76Val) results in a conservative amino acid change located in the Heavy metal-associated domain, HMA (IPR006121) of the encoded protein sequence. Three of five in-silico tools predict a damaging effect of the variant on protein function. The variant allele was found at a frequency of 0.00016 in 249192 control chromosomes (gnomAD). This frequency is not higher than expected for a pathogenic variant in ATP7B causing Wilson Disease (0.00016 vs 0.0054), allowing no conclusion about variant significance. c.226A>G has been reported in the literature in one individual affected with Wilson Disease (Cao_2019). The report does not provide unequivocal conclusions about association of the variant with Wilson Disease. To our knowledge, no experimental evidence demonstrating an impact on protein function has been reported. Four ClinVar submitters (evaluation after 2014) cite the variant as uncertain significance (n=2) and likely benign (n=2). Based on the evidence outlined above, the variant was classified as uncertain significance.

Genome-Nilou Lab
Classification: Likely benign for Wilson disease. Last evaluated: 2021-08-10. Review status: criteria provided, single submitter. Criteria: ACMG Guidelines, 2015. Collection method: clinical testing. Allele origin: germline. Affected: no.

ARUP Laboratories, Molecular Genetics and Genomics, ARUP Laboratories
Classification: Uncertain significance. Last evaluated: 2018-04-02. Review status: criteria provided, single submitter. Criteria: ARUP Molecular Germline Variant Investigation Process. Collection method: clinical testing. Allele origin: germline.
Comment: The ATP7B c.226A>G; p.Ile76Val variant (rs200642204), to our knowledge, is not reported in the medical literature or gene specific databases. This variant is found in the general population with an overall allele frequency of 0.02% (42/276788 alleles) in the Genome Aggregation Database. The isoleucine at codon 76 is moderately conserved but computational algorithms (SIFT, PolyPhen2) predict this variant is tolerated. Due to the limited information, the clinical significance of p.Ile76Val is uncertain at this time.

Literature cited by the submitters: PubMed 31620489 (cited by 3 submitters); PubMed 23518715 (cited by Women's Health and Genetics/Laboratory Corporation of America, LabCorp).